The following is an entry in ClinVar:

NM_021831.6(AGBL5):c.2309T>G (p.Leu770Arg)

Gene: AGBL5 (AGBL carboxypeptidase 5; plus strand). Cytogenetic location: 2p23.3.
Variant type: single nucleotide variant.
Coding change: c.2309T>G on transcript NM_021831.6 (MANE Select); coding-DNA position 2309, T replaced by G.
Protein change: p.Leu770Arg; replaces leucine 770 with arginine.
Molecular consequence: missense variant. On other transcripts: non-coding transcript variant (2).
Genome position (GRCh38, 1-based): chr2:27,068,698, T>G. VCF-style: chr2-27068698-T-G. GRCh37 (hg19) VCF-style: chr2-27291566-T-G.
Other names: short protein forms L770R.
Identifiers: ClinVar variation 1493442 (VCV001493442.4), dbSNP rs1669116163, ClinGen allele CA346141704.
Genomic context (GRCh38, chr2:27,068,698, plus strand): 5'-GTTGCTCACTCTTGTCCTCTGGAGACAAACCAGAGGCTGTCATGGTAATCGGGAAAGGTC[T>G]GCTAGGGACTGGAGCTCGGATGCCCTGCATCAAGACTCGATTGCAGGTAATATTTTTGGG-3'
Protein context (NP_068603.4, residues 760-780): PEAVMVIGKG[Leu770Arg]LGTGARMPCI

ClinVar aggregate classification (germline): Uncertain significance. Review status: criteria provided, multiple submitters, no conflicts (2 of 4 stars). 2 submissions from 2 submitters: Uncertain significance (2). Last evaluated 2021-09-27.

gnomAD v4.1: 1 of 1,614,168 alleles (0.000062%); highest among the groups gnomAD compares: African/African-American, 0.0013%; no homozygotes.

Submissions (2):

Labcorp Genetics (formerly Invitae), Labcorp
Classification: Uncertain significance. Last evaluated: 2021-09-27. Review status: criteria provided, single submitter. Criteria: Invitae Variant Classification Sherloc (09022015). Collection method: clinical testing. Allele origin: germline.
Comment: This sequence change replaces leucine with arginine at codon 770 of the AGBL5 protein (p.Leu770Arg). The leucine residue is moderately conserved and there is a moderate physicochemical difference between leucine and arginine. This variant is not present in population databases (ExAC no frequency). This variant has not been reported in the literature in individuals affected with AGBL5-related conditions. Algorithms developed to predict the effect of missense changes on protein structure and function are either unavailable or do not agree on the potential impact of this missense change (SIFT: "Tolerated"; PolyPhen-2: "Probably Damaging"; Align-GVGD: "Class C0"). In summary, the available evidence is currently insufficient to determine the role of this variant in disease. Therefore, it has been classified as a Variant of Uncertain Significance.

Blueprint Genetics
Classification: Uncertain significance. Last evaluated: 2021-05-14. Review status: criteria provided, single submitter. Criteria: ACMG Guidelines, 2015. Collection method: clinical testing. Allele origin: germline.